The following is an entry in ClinVar:

ClinVar aggregate classification (germline): Uncertain significance (1 of 4 stars; one submission).

Conditions:
Progressive sclerosing poliodystrophy (MTDPS4A). Also called: Alpers-Huttenlocher Syndrome (AHS); ALPERS PROGRESSIVE INFANTILE POLIODYSTROPHY; Mitochondrial DNA Depletion Syndrome 4A; Mitochondrial DNA depletion syndrome 4A (Alpers type); NEURONAL DEGENERATION OF CHILDHOOD WITH LIVER DISEASE, PROGRESSIVE; Alpers Syndrome. Identifiers: Orphanet 726, MedGen C0205710, MONDO:0008758, OMIM 203700.

Allele frequency attached by ClinVar (database versions not stated): gnomAD 0.00001; gnomAD exomes 0.00001; ExAC 0.00002.

Submission:

Labcorp Genetics (formerly Invitae), Labcorp
Classification: Uncertain significance for Progressive sclerosing poliodystrophy. Last evaluated: 2024-08-19. Review status: criteria provided, single submitter. Criteria: Invitae Variant Classification Sherloc (09022015). Collection method: clinical testing. Allele origin: germline.
Comment: This sequence change replaces isoleucine, which is neutral and non-polar, with valine, which is neutral and non-polar, at codon 1155 of the POLG protein (p.Ile1155Val). This variant is present in population databases (rs749640920, gnomAD 0.009%). This variant has not been reported in the literature in individuals affected with POLG-related conditions. ClinVar contains an entry for this variant (Variation ID: 528379). Invitae Evidence Modeling of protein sequence and biophysical properties (such as structural, functional, and spatial information, amino acid conservation, physicochemical variation, residue mobility, and thermodynamic stability) indicates that this missense variant is not expected to disrupt POLG protein function with a negative predictive value of 95%. In summary, the available evidence is currently insufficient to determine the role of this variant in disease. Therefore, it has been classified as a Variant of Uncertain Significance.

NM_002693.3(POLG):c.3463A>G (p.Ile1155Val)

Gene: POLG (DNA polymerase gamma, catalytic subunit; minus strand). Cytogenetic location: 15q26.1.
Variant type: single nucleotide variant.
Coding change: c.3463A>G on transcript NM_002693.3 (MANE Select); coding-DNA position 3463, A replaced by G.
Protein change: p.Ile1155Val; replaces isoleucine 1155 with valine.
Molecular consequence: missense variant.
Genome position (GRCh38, 1-based): chr15:89,318,560, T>C on the plus strand (A>G on the coding strand, the complement: POLG is on the minus strand). VCF-style: chr15-89318560-T-C. GRCh37 (hg19) VCF-style: chr15-89861791-T-C.
Other names: c.3463A>G, p.Ile1155Val (NM_001126131.2); short protein forms I1155V.
Identifiers: ClinVar variation 528379 (VCV000528379.8), dbSNP rs749640920, ClinGen allele CA7724138.